The following is an entry in ClinVar:

NM_032447.5(FBN3):c.728G>A (p.Gly243Glu)

Gene: FBN3 (fibrillin 3; minus strand). Cytogenetic location: 19p13.2.
Variant type: single nucleotide variant.
Coding change: c.728G>A on transcript NM_032447.5 (MANE Select); coding-DNA position 728, G replaced by A.
Protein change: p.Gly243Glu; replaces glycine 243 with glutamic acid.
Molecular consequence: missense variant.
Genome position (GRCh38, 1-based): chr19:8,141,951, C>T on the plus strand (G>A on the coding strand, the complement: FBN3 is on the minus strand). VCF-style: chr19-8141951-C-T. GRCh37 (hg19) VCF-style: chr19-8206835-C-T.
Other names: c.728G>A (NM_032447.3); c.728G>A, p.Gly243Glu (NM_001321431.2); short protein forms G243E.
Identifiers: ClinVar variation 2125787 (VCV002125787.5), dbSNP rs1009134367, ClinGen allele CA304959470.

ClinVar aggregate classification (germline): Uncertain significance. Review status: criteria provided, multiple submitters, no conflicts (2 of 4 stars). 2 submissions from 2 submitters: Uncertain significance (2). Last evaluated 2023-12-17.

Allele frequency attached by ClinVar (database versions not stated): gnomAD exomes below 0.00001; TOPMed 0.00003.
gnomAD v4.1: 2 of 1,614,218 alleles (0.00012%); highest among the groups gnomAD compares: African/African-American, 0.0027%; no homozygotes.

Submissions (2):

Ambry Genetics
Classification: Uncertain significance. Last evaluated: 2023-12-17. Review status: criteria provided, single submitter. Criteria: Ambry Variant Classification Scheme 2023. Collection method: clinical testing. Allele origin: germline.

Labcorp Genetics (formerly Invitae), Labcorp
Classification: Uncertain significance. Last evaluated: 2022-09-21. Review status: criteria provided, single submitter. Criteria: Invitae Variant Classification Sherloc (09022015). Collection method: clinical testing. Allele origin: germline.
Comment: In summary, the available evidence is currently insufficient to determine the role of this variant in disease. Therefore, it has been classified as a Variant of Uncertain Significance. Algorithms developed to predict the effect of missense changes on protein structure and function are either unavailable or do not agree on the potential impact of this missense change (SIFT: "Not Available"; PolyPhen-2: "Probably Damaging"; Align-GVGD: "Not Available"). This variant has not been reported in the literature in individuals affected with FBN3-related conditions. This variant is present in population databases (no rsID available, gnomAD 0.008%). This sequence change replaces glycine, which is neutral and non-polar, with glutamic acid, which is acidic and polar, at codon 243 of the FBN3 protein (p.Gly243Glu).